The following is an entry in ClinVar:

ClinVar aggregate classification (germline): Conflicting classifications of pathogenicity. Review status: criteria provided, conflicting classifications (1 of 4 stars). 4 submissions from 4 submitters: Uncertain significance (3); Benign (1). Last evaluated 2025-03-21.

Conditions:
PIEZO1-related disorder. Also called: PIEZO1-related condition; PIEZO1-Related Disorders.
Inborn genetic diseases. Identifiers: MedGen C0950123, MeSH D030342.

gnomAD v4.1: 57 of 1,549,464 alleles (0.0037%); highest among the groups gnomAD compares: African/African-American, 0.018%; no homozygotes.

Submissions (4):

Ambry Genetics
Classification: Uncertain significance for Inborn genetic diseases. Last evaluated: 2025-03-21. Review status: criteria provided, single submitter. Criteria: Ambry Variant Classification Scheme 2023. Collection method: clinical testing. Allele origin: germline.

Mayo Clinic Laboratories, Mayo Clinic
Classification: Uncertain significance. Last evaluated: 2025-03-04. Review status: criteria provided, single submitter. Criteria: ACMG Guidelines, 2015. Collection method: clinical testing. Allele origin: germline. Observed: 2 variant alleles.
Comment: BP4_moderate, PM2_supporting

Labcorp Genetics (formerly Invitae), Labcorp
Classification: Benign. Last evaluated: 2025-01-06. Review status: criteria provided, single submitter. Criteria: Invitae Variant Classification Sherloc (09022015). Collection method: clinical testing. Allele origin: germline.

PreventionGenetics, part of Exact Sciences
Classification: Uncertain significance for PIEZO1-related condition. Last evaluated: 2023-03-15. Review status: criteria provided, single submitter. Criteria: ACMG Guidelines, 2015. Collection method: clinical testing. Allele origin: germline.
Comment: The PIEZO1 c.3416G>A variant is predicted to result in the amino acid substitution p.Arg1139Gln. To our knowledge, this variant has not been reported in the literature. This variant is reported in 0.018% of alleles in individuals of African descent in gnomAD. At this time, the clinical significance of this variant is uncertain due to the absence of conclusive functional and genetic evidence.

NM_001142864.4(PIEZO1):c.3416G>A (p.Arg1139Gln)

Gene: PIEZO1 (piezo type mechanosensitive ion channel component 1 (Er blood group); minus strand). Cytogenetic location: 16q24.3.
Variant type: single nucleotide variant.
Coding change: c.3416G>A on transcript NM_001142864.4 (MANE Select); coding-DNA position 3416, G replaced by A.
Protein change: p.Arg1139Gln; replaces arginine 1139 with glutamine.
Molecular consequence: missense variant.
Genome position (GRCh38, 1-based): chr16:88,727,078, C>T on the plus strand (G>A on the coding strand, the complement: PIEZO1 is on the minus strand). VCF-style: chr16-88727078-C-T. GRCh37 (hg19) VCF-style: chr16-88793486-C-T.
Other names: p.Arg1139Gln; c.3416G>A (NM_001142864.3, NM_001142864.2); short protein forms R1139Q.
Identifiers: ClinVar variation 1373634 (VCV001373634.8), dbSNP rs747323210, ClinGen allele CA8232495.